The following is an entry in ClinVar:

NM_016213.5(TRIP4):c.368C>T (p.Thr123Met)

Gene: TRIP4 (thyroid hormone receptor interactor 4; plus strand). Cytogenetic location: 15q22.31.
Variant type: single nucleotide variant.
Coding change: c.368C>T on transcript NM_016213.5 (MANE Select); coding-DNA position 368, C replaced by T.
Protein change: p.Thr123Met; replaces threonine 123 with methionine.
Molecular consequence: missense variant. On other transcripts: 5 prime UTR variant (1), non-coding transcript variant (1).
Genome position (GRCh38, 1-based): chr15:64,395,494, C>T. VCF-style: chr15-64395494-C-T. GRCh37 (hg19) VCF-style: chr15-64687693-C-T.
Other names: c.-323C>T (NM_001321924.2); short protein forms T123M.
Identifiers: ClinVar variation 2074636 (VCV002074636.4), dbSNP rs375028289, ClinGen allele CA7609354.

ClinVar aggregate classification (germline): Uncertain significance. Review status: criteria provided, multiple submitters, no conflicts (2 of 4 stars). 2 submissions from 2 submitters: Uncertain significance (2). Last evaluated 2024-11-18.

Conditions:
Inborn genetic diseases. Identifiers: MedGen C0950123, MeSH D030342.

Allele frequency attached by ClinVar (database versions not stated): gnomAD exomes 0.00002; gnomAD 0.00003; ExAC 0.00004; TOPMed 0.00006; ESP Exome Variant Server 0.00008; 1000 Genomes Project 30x 0.00031.
gnomAD v4.1: 32 of 1,613,608 alleles (0.002%); highest among the groups gnomAD compares: Admixed American, 0.0083%; no homozygotes.

Submissions (2):

Labcorp Genetics (formerly Invitae), Labcorp
Classification: Uncertain significance. Last evaluated: 2024-11-18. Review status: criteria provided, single submitter. Criteria: Invitae Variant Classification Sherloc (09022015). Collection method: clinical testing. Allele origin: germline.
Comment: This sequence change replaces threonine, which is neutral and polar, with methionine, which is neutral and non-polar, at codon 123 of the TRIP4 protein (p.Thr123Met). This variant is present in population databases (rs375028289, gnomAD 0.03%). This variant has not been reported in the literature in individuals affected with TRIP4-related conditions. ClinVar contains an entry for this variant (Variation ID: 2074636). Invitae Evidence Modeling of protein sequence and biophysical properties (such as structural, functional, and spatial information, amino acid conservation, physicochemical variation, residue mobility, and thermodynamic stability) indicates that this missense variant is not expected to disrupt TRIP4 protein function with a negative predictive value of 80%. In summary, the available evidence is currently insufficient to determine the role of this variant in disease. Therefore, it has been classified as a Variant of Uncertain Significance.

Ambry Genetics
Classification: Uncertain significance for Inborn genetic diseases. Last evaluated: 2022-06-27. Review status: criteria provided, single submitter. Criteria: Ambry Variant Classification Scheme 2023. Collection method: clinical testing. Allele origin: germline.